The following is an entry in ClinVar:

ClinVar aggregate classification (germline): Uncertain significance (1 of 4 stars; one submission).

Conditions:
Carney complex, type 1 (CNC1). Also called: CARNEY MYXOMA-ENDOCRINE COMPLEX; CARNEY COMPLEX, TYPE I. Identifiers: Orphanet 1359, MedGen C2607929, MONDO:0008057, OMIM 160980.

Submission:

Labcorp Genetics (formerly Invitae), Labcorp
Classification: Uncertain significance for Carney complex, type 1. Last evaluated: 2021-08-30. Review status: criteria provided, single submitter. Criteria: Invitae Variant Classification Sherloc (09022015). Collection method: clinical testing. Allele origin: germline.
Comment: In summary, the available evidence is currently insufficient to determine the role of this variant in disease. Therefore, it has been classified as a Variant of Uncertain Significance. Algorithms developed to predict the effect of missense changes on protein structure and function (SIFT, PolyPhen-2, Align-GVGD) all suggest that this variant is likely to be disruptive. This variant has not been reported in the literature in individuals affected with PRKAR1A-related conditions. This variant is not present in population databases (ExAC no frequency). This sequence change replaces valine with alanine at codon 302 of the PRKAR1A protein (p.Val302Ala). The valine residue is highly conserved and there is a small physicochemical difference between valine and alanine.

NM_002734.5(PRKAR1A):c.905T>C (p.Val302Ala)

Gene: PRKAR1A (protein kinase cAMP-dependent type I regulatory subunit alpha; plus strand). Cytogenetic location: 17q24.2.
Variant type: single nucleotide variant.
Coding change: c.905T>C on transcript NM_002734.5 (MANE Select); coding-DNA position 905, T replaced by C.
Protein change: p.Val302Ala; replaces valine 302 with alanine.
Molecular consequence: missense variant.
Genome position (GRCh38, 1-based): chr17:68,529,933, T>C. VCF-style: chr17-68529933-T-C. GRCh37 (hg19) VCF-style: chr17-66526074-T-C.
Other names: c.905T>C, p.Val302Ala (NM_001276289.2, NM_001276290.1, NM_001278433.2 and 4 more transcripts); short protein forms V302A.
Identifiers: ClinVar variation 1378624 (VCV001378624.6), dbSNP rs2143382962, ClinGen allele CA400754101.
Genomic context (GRCh38, chr17:68,529,933, plus strand): 5'-GGTTTGAGAGTGTGTGTTTGTTTAGCTTTTTGGTGATTTTATTATAGGGGTCAGCTGCTG[T>C]GCTACAACGTCGGTCAGAAAATGAAGAGTTTGTTGAAGTGGGAAGATTGGGGCCTTCTGA-3'
Protein context (NP_002725.1, residues 292-312): FFIILEGSAA[Val302Ala]LQRRSENEEF